The following is an entry in ClinVar:

ClinVar aggregate classification (germline): Benign/Likely benign. Review status: criteria provided, multiple submitters, no conflicts (2 of 4 stars). 8 submissions from 8 submitters: Benign (5); Likely benign (3). Last evaluated 2026-07-01.

Conditions:
Bethlem myopathy 1A. Also called: MYOPATHY, BENIGN CONGENITAL, WITH CONTRACTURES; Bethlem myopathy 1; Bethlem Muscular Dystrophy. Identifiers: Orphanet 610, MedGen CN029274, MONDO:0024530, OMIM 158810.

Allele frequency attached by ClinVar (database versions not stated): gnomAD exomes 0.00025 and 0.00065; ExAC 0.00120; ESP Exome Variant Server 0.00198; gnomAD 0.00285 and 0.00296; TOPMed 0.00296; 1000 Genomes Project 30x 0.00344; 1000 Genomes Project 0.00379.
gnomAD v4.1: 820 of 1,554,024 alleles (0.053%); highest among the groups gnomAD compares: African/African-American, 0.96%; 7 homozygotes.

Submissions (8):

CeGaT Center for Human Genetics Tuebingen
Classification: Likely benign. Last evaluated: 2026-07-01. Review status: criteria provided, single submitter. Criteria: CeGaT Center For Human Genetics Tuebingen Variant Classification Criteria Version 2. Collection method: clinical testing. Allele origin: germline. Affected: yes. Observed: 2 variant alleles.
Comment: COL6A1: BP4

Labcorp Genetics (formerly Invitae), Labcorp
Classification: Benign for Bethlem myopathy 1A. Last evaluated: 2026-01-12. Review status: criteria provided, single submitter. Criteria: Invitae Variant Classification Sherloc (09022015). Collection method: clinical testing. Allele origin: germline.

Blueprint Genetics
Classification: Likely benign. Last evaluated: 2024-11-01. Review status: criteria provided, single submitter. Criteria: ACMG Guidelines, 2015. Collection method: clinical testing. Allele origin: germline.

Mayo Clinic Laboratories, Mayo Clinic
Classification: Benign. Last evaluated: 2023-11-02. Review status: criteria provided, single submitter. Criteria: ACMG Guidelines, 2015. Collection method: clinical testing. Allele origin: germline. Observed: 4 variant alleles.
Comment: BA1, BP4, BP7

GeneDx
Classification: Likely benign. Last evaluated: 2019-11-25. Review status: criteria provided, single submitter. Criteria: GeneDx Variant Classification Process June 2021. Collection method: clinical testing. Allele origin: germline. Affected: yes.

Genetic Services Laboratory, University of Chicago
Classification: Benign. Last evaluated: 2015-02-10. Review status: criteria provided, single submitter. Criteria: ACMG Guidelines, 2015. Collection method: clinical testing. Allele origin: germline.

Eurofins Ntd Llc (ga)
Classification: Benign. Last evaluated: 2012-07-17. Review status: criteria provided, single submitter. Criteria: EGL Classification Definitions 2015. Collection method: clinical testing. Allele origin: germline. Observed: 1 variant allele, 1 heterozygote.

PreventionGenetics, part of Exact Sciences
Classification: Benign. Review status: criteria provided, single submitter. Criteria: ACMG Guidelines, 2015. Collection method: clinical testing. Allele origin: germline.

NM_001848.3(COL6A1):c.1612-6C>T

Gene: COL6A1 (collagen type VI alpha 1 chain; plus strand). Cytogenetic location: 21q22.3.
Variant type: single nucleotide variant.
Coding change: c.1612-6C>T on transcript NM_001848.3 (MANE Select); 6 bases into the intron before coding-DNA position 1612, C replaced by T.
Molecular consequence: intron variant.
Genome position (GRCh38, 1-based): chr21:45,998,891, C>T. VCF-style: chr21-45998891-C-T. GRCh37 (hg19) VCF-style: chr21-47418805-C-T.
Other names: p.?.
Identifiers: ClinVar variation 93824 (VCV000093824.48), dbSNP rs143812383, ClinGen allele CA147337.
Genomic context (GRCh38, chr21:45,998,891, plus strand): 5'-TAAAATTTCCACTTCCTAAAAACAAAATAAAACCCTTGTTAACCAAGTGCTCTCCCGTCA[C>T]TGCAGGGCACGAAGGGCTACCCCGGCCTCAAGGGGGACGAGGGAGAAGCCGGGGACCCCG-3'